The following is an entry in ClinVar:

NM_000293.3(PHKB):c.1126+2T>C

Gene: PHKB (phosphorylase kinase regulatory subunit beta; plus strand). Cytogenetic location: 16q12.1.
Variant type: single nucleotide variant.
Coding change: c.1126+2T>C on transcript NM_000293.3 (MANE Select); the canonical splice donor site of the intron after coding-DNA position 1126, T replaced by C.
Molecular consequence: splice donor variant.
Genome position (GRCh38, 1-based): chr16:47,593,559, T>C. VCF-style: chr16-47593559-T-C. GRCh37 (hg19) VCF-style: chr16-47627470-T-C.
Other names: c.1126+2T>C (NM_001363837.1); c.1105+2T>C (NM_001031835.3).
Identifiers: ClinVar variation 2989321 (VCV002989321.3), dbSNP rs967041673, ClinGen allele CA280223675.
Genomic context (GRCh38, chr16:47,593,559, plus strand): 5'-GCTATTTGATGGCATTGAATGTGAATTTCCCATATTTTTCCTTTATATGATGATTGATGG[T>C]AAGTAAGCTTTTTCCTGAAATTTAAGCAAGCTTTTTCCTGAAATTTAAGCTGTAGGATTT-3'

ClinVar aggregate classification (germline): Likely pathogenic (1 of 4 stars; one submission).

Conditions:
Glycogen storage disease IXb (GSD9B). Also called: GLYCOGENOSIS OF LIVER AND MUSCLE, AUTOSOMAL RECESSIVE; GSD IXb; PHOSPHORYLASE KINASE DEFICIENCY OF LIVER AND MUSCLE, AUTOSOMAL RECESSIVE. Identifiers: Orphanet 79240, MedGen C0543514, MONDO:0009868, OMIM 261750.

Allele frequency attached by ClinVar (database versions not stated): gnomAD exomes below 0.00001; TOPMed 0.00001.
gnomAD v4.1: 1 of 1,469,080 alleles (0.000068%); highest among the groups gnomAD compares: African/African-American, 0.0014%; no homozygotes.

Submission:

Labcorp Genetics (formerly Invitae), Labcorp
Classification: Likely pathogenic for Glycogen storage disease IXb. Last evaluated: 2023-07-26. Review status: criteria provided, single submitter. Criteria: Invitae Variant Classification Sherloc (09022015). Collection method: clinical testing. Allele origin: germline.
Comment: Algorithms developed to predict the effect of sequence changes on RNA splicing suggest that this variant may disrupt the consensus splice site. In summary, the currently available evidence indicates that the variant is pathogenic, but additional data are needed to prove that conclusively. Therefore, this variant has been classified as Likely Pathogenic. This variant has not been reported in the literature in individuals affected with PHKB-related conditions. This variant is present in population databases (no rsID available, gnomAD 0.007%). This sequence change affects a donor splice site in intron 11 of the PHKB gene. It is expected to disrupt RNA splicing. Variants that disrupt the donor or acceptor splice site typically lead to a loss of protein function (PMID: 16199547), and loss-of-function variants in PHKB are known to be pathogenic (PMID: 9215682, 9326319).

Literature cited by the submitters: PubMed 16199547; PubMed 9215682; PubMed 9326319.